The following is an entry in ClinVar:

NM_001082971.2(DDC):c.1107T>A (p.Tyr369Ter)

Gene: DDC (dopa decarboxylase; minus strand). Cytogenetic location: 7p12.2.
Variant type: single nucleotide variant.
Coding change: c.1107T>A on transcript NM_001082971.2 (MANE Select); coding-DNA position 1107, T replaced by A.
Protein change: p.Tyr369Ter; replaces tyrosine 369 with a stop codon.
Molecular consequence: nonsense.
Genome position (GRCh38, 1-based): chr7:50,470,106, A>T on the plus strand (T>A on the coding strand, the complement: DDC is on the minus strand). VCF-style: chr7-50470106-A-T. GRCh37 (hg19) VCF-style: chr7-50537804-A-T.
Other names: c.1107T>A, p.Tyr369Ter (NM_000790.4); c.993T>A, p.Tyr331Ter (NM_001242886.2); c.963T>A, p.Tyr321Ter (NM_001242887.2); c.873T>A, p.Tyr291Ter (NM_001242888.2); c.828T>A, p.Tyr276Ter (NM_001242889.2); short protein forms Y276*, Y291*, Y369*, Y331*, Y321*.
Identifiers: ClinVar variation 2022937 (VCV002022937.4), dbSNP rs2534986453, ClinGen allele CA367533242.
Genomic context (GRCh38, chr7:50,470,106, plus strand): 5'-CGTGATAAATAATAAAAACAAAGTCACCTTGCGGATATAAGCCTGCAGTCCTTTGACTCC[A>T]TACATCCTAAATACAAACCACATTTTCAAAGAGCGAAATCTTCTGCCCAGTGGTATCTGC-3'

ClinVar aggregate classification (germline): Pathogenic (1 of 4 stars; one submission).

Conditions:
Deficiency of aromatic-L-amino-acid decarboxylase. Also called: AADC DEFICIENCY; Aromatic L-Amino Acid Decarboxylase Deficiency; DDC DEFICIENCY; DOPA DECARBOXYLASE DEFICIENCY; Aromatic amino acid decarboxylase deficiency. Identifiers: Orphanet 35708, MedGen C1291564, MONDO:0012084, OMIM 608643.

Submission:

Labcorp Genetics (formerly Invitae), Labcorp
Classification: Pathogenic for Deficiency of aromatic-L-amino-acid decarboxylase. Last evaluated: 2022-08-08. Review status: criteria provided, single submitter. Criteria: Invitae Variant Classification Sherloc (09022015). Collection method: clinical testing. Allele origin: germline.
Comment: For these reasons, this variant has been classified as Pathogenic. This variant has not been reported in the literature in individuals affected with DDC-related conditions. This variant is not present in population databases (gnomAD no frequency). This sequence change creates a premature translational stop signal (p.Tyr369*) in the DDC gene. It is expected to result in an absent or disrupted protein product. Loss-of-function variants in DDC are known to be pathogenic (PMID: 15079002, 24788355).

Literature cited by the submitters: PubMed 15079002; PubMed 24788355.